The following is an entry in ClinVar:

NM_002875.5(RAD51):c.914G>A (p.Gly305Glu)

Gene: RAD51 (RAD51 recombinase; plus strand). Cytogenetic location: 15q15.1.
Variant type: single nucleotide variant.
Coding change: c.914G>A on transcript NM_002875.5 (MANE Select); coding-DNA position 914, G replaced by A.
Protein change: p.Gly305Glu; replaces glycine 305 with glutamic acid.
Molecular consequence: missense variant. On other transcripts: synonymous variant (1).
Genome position (GRCh38, 1-based): chr15:40,731,072, G>A. VCF-style: chr15-40731072-G-A. GRCh37 (hg19) VCF-style: chr15-41023270-G-A.
Other names: c.917G>A, p.Gly306Glu (NM_001164269.2, NM_133487.4); c.792G>A, p.Arg264= (NM_001164270.2); short protein forms G305E, G306E.
Identifiers: ClinVar variation 4849990 (VCV004849990.1).

ClinVar aggregate classification (germline): Likely pathogenic (1 of 4 stars; one submission).

Conditions:
Fanconi anemia complementation group R. Identifiers: MedGen C4284093, MONDO:0014986, OMIM 617244.

Submission:

Variantyx, Inc.
Classification: Likely pathogenic for Fanconi anemia complementation group R. Last evaluated: 2025-08-08. Review status: criteria provided, single submitter. Criteria: Variantyx Assertion Criteria 2022. Collection method: clinical testing. Allele origin: de novo. Inheritance: Autosomal dominant inheritance. Affected: yes.
Comment: This is a nonsynonymous variant in the RAD51 gene (OMIM: 179617). Pathogenic variants in this gene have been associated with autosomal dominant Fanconi anemia of complementation group R (PMID:26681308). Multiple computational algorithms predict a deleterious effect for this variant (REVEL score: 0.646) (PP3).This variant has not been reported in individuals with RAD51-related disorders in the databases available for review and it is absent from control populations (PM2). Based on the current evidence, this variant is classified as likely pathogenic for autosomal dominant Fanconi anemia of complementation group R.

Literature cited by the submitters: PubMed 26681308.